The following is an entry in ClinVar:

ClinVar aggregate classification (germline): Likely benign. Review status: criteria provided, multiple submitters, no conflicts (2 of 4 stars). 5 submissions from 5 submitters: Likely benign (5). Last evaluated 2025-09-01.

Conditions:
TP63-related disorder. Also called: TP63-Related Disorders; TP63-related condition. Identifiers: MedGen CN380159.
TP63-Related Spectrum Disorders.
ADULT syndrome. Also called: ACRO-DERMATO-UNGUAL-LACRIMAL-TOOTH SYNDROME; Acro-dermato-ungual-lacrimal-tooth (adult) syndrome; Acro-Dermo-Ungual-Lacrimal-Tooth Syndrome (ADULT Syndrome). Identifiers: Orphanet 978, MedGen C1863204, MONDO:0007072, OMIM 103285.
Limb-mammary syndrome (LMS). Also called: Mammary hypoplasia, ectrodactyly, and other hand/foot anomalies. Identifiers: Orphanet 69085, MedGen C1863753, MONDO:0011334, OMIM 603543.
Split hand-foot malformation 4. Also called: Split-Hand/Foot Malformation Type 4 (SHFM4); Split-Hand/Foot Malformation Type 4 (SHFM4 syndrome). Identifiers: Orphanet 2440, MedGen C1854442, MONDO:0011535, OMIM 605289.
Ankyloblepharon-ectodermal defects-cleft lip/palate syndrome. Also called: Ankyloblepharon-ectodermal defects, cleft lip/palate; Ankyloblepharon-Ectodermal Defects-Cleft Lip/Palate Syndrome (AEC Syndrome); AEC SYNDROME; Hay-Wells syndrome of ectodermal dysplasia; HAY-WELLS SYNDROME. Identifiers: Orphanet 1071, MedGen C0406709, MONDO:0007124, OMIM 106260.
Ectrodactyly, ectodermal dysplasia, and cleft lip-palate syndrome 3. Also called: EEC SYNDROME 3; Ectrodactyly, Ectodermal Dysplasia, Cleft Lip/Palate Syndrome 3 (EEC3); Ectrodactyly, Ectodermal Dysplasia, Clefting Syndrome; Ectrodactyly, Ectodermal Dysplasia, Clefting Syndrome Type 3 (EEC3). Identifiers: Orphanet 1896, MedGen C1858562, MONDO:0011428, OMIM 604292.
Rapp-Hodgkin syndrome (RHS). Also called: ECTODERMAL DYSPLASIA, ANHIDROTIC, WITH CLEFT LIP/PALATE; Rapp-Hodgkin ectodermal dysplasia syndrome; Isolated Cleft Lip/Cleft Palate (Orofacial Cleft 8). Identifiers: MedGen C1785148, MONDO:0007508, OMIM 129400.
Orofacial cleft 8. Also called: Cleft lip with or without cleft palate, nonsyndromic, 8. Identifiers: MedGen C1851878, MONDO:0029145, OMIM 618149.

Allele frequency attached by ClinVar (database versions not stated): TOPMed 0.00004; gnomAD 0.00005 and 0.00006.
gnomAD v4.1: 72 of 1,613,912 alleles (0.0045%); highest among the groups gnomAD compares: Middle Eastern, 0.033%; no homozygotes.

Submissions (5):

CeGaT Center for Human Genetics Tuebingen
Classification: Likely benign. Last evaluated: 2025-09-01. Review status: criteria provided, single submitter. Criteria: CeGaT Center For Human Genetics Tuebingen Variant Classification Criteria Version 2. Collection method: clinical testing. Allele origin: germline. Affected: yes. Observed: 1 variant allele.
Comment: TP63: BP4, BP7

PreventionGenetics, part of Exact Sciences
Classification: Likely benign for TP63-related condition. Last evaluated: 2025-01-07. Review status: criteria provided, single submitter. Criteria: ACMG Guidelines, 2015. Collection method: clinical testing. Allele origin: germline.
Comment: This variant is classified as likely benign based on ACMG/AMP sequence variant interpretation guidelines (Richards et al. 2015 PMID: 25741868, with internal and published modifications).

Labcorp Genetics (formerly Invitae), Labcorp
Classification: Likely benign. Last evaluated: 2024-12-09. Review status: criteria provided, single submitter. Criteria: Invitae Variant Classification Sherloc (09022015). Collection method: clinical testing. Allele origin: germline.

Blueprint Genetics
Classification: Likely benign. Last evaluated: 2024-08-26. Review status: criteria provided, single submitter. Criteria: ACMG Guidelines, 2015. Collection method: clinical testing. Allele origin: germline.

Fulgent Genetics
Classification: Likely benign for ADULT syndrome; Ankyloblepharon-ectodermal defects-cleft lip/palate syndrome; Rapp-Hodgkin syndrome; Limb-mammary syndrome; Ectrodactyly, ectodermal dysplasia, and cleft lip-palate syndrome 3; Split hand-foot malformation 4; Orofacial cleft 8. Last evaluated: 2022-02-01. Review status: criteria provided, single submitter. Criteria: ACMG Guidelines, 2015. Collection method: clinical testing. Allele origin: unknown.

NM_003722.5(TP63):c.1095G>A (p.Ser365=)

Gene: TP63 (tumor protein p63; plus strand). Cytogenetic location: 3q28.
Variant type: single nucleotide variant.
Coding change: c.1095G>A on transcript NM_003722.5 (MANE Select); coding-DNA position 1095, G replaced by A.
Protein change: p.Ser365=; no amino-acid change (serine 365 retained).
Molecular consequence: synonymous variant.
Genome position (GRCh38, 1-based): chr3:189,868,682, G>A. VCF-style: chr3-189868682-G-A. GRCh37 (hg19) VCF-style: chr3-189586471-G-A.
Other names: c.1095G>A, p.Ser365= (NM_001114978.2, NM_001114979.2, NM_001329144.2 and 1 more transcripts); c.813G>A, p.Ser271= (NM_001114980.2, NM_001114981.2, NM_001114982.2 and 2 more transcripts); c.558G>A, p.Ser186= (NM_001329146.2, NM_001329150.2); c.1089G>A, p.Ser363= (NM_001329964.2); c.1095G>A (NM_003722.4).
Identifiers: ClinVar variation 1452532 (VCV001452532.17), dbSNP rs748609799, ClinGen allele CA2752335.
Genomic context (GRCh38, chr3:189,868,682, plus strand): 5'-TGCTTGCCCAGGAAGAGACAGGAAGGCGGATGAAGATAGCATCAGAAAGCAGCAAGTTTC[G>A]GACAGTACAAAGAACGGTGATGGTACGAAGCGCCGTAAGTAGATGTAGTGGCCAAATGGG-3'
Protein context (NP_003713.3, residues 355-375): DEDSIRKQQV[Ser365=]DSTKNGDGTK